The following is an entry in ClinVar:

ClinVar aggregate classification (germline): Uncertain significance (1 of 4 stars; one submission).

gnomAD v4.1: 12 of 1,607,656 alleles (0.00075%); highest among the groups gnomAD compares: South Asian, 0.013%; no homozygotes.

Submission:

Labcorp Genetics (formerly Invitae), Labcorp
Classification: Uncertain significance. Last evaluated: 2025-12-01. Review status: criteria provided, single submitter. Criteria: Invitae Variant Classification Sherloc (09022015). Collection method: clinical testing. Allele origin: germline.
Comment: This sequence change affects codon 425 of the MYO1E mRNA. It is a 'silent' change, meaning that it does not change the encoded amino acid sequence of the MYO1E protein. This variant also falls at the last nucleotide of exon 12, which is part of the consensus splice site for this exon. This variant is present in population databases (rs753743886, gnomAD 0.003%). This variant has not been reported in the literature in individuals affected with MYO1E-related conditions. Variants that disrupt the consensus splice site are a relatively common cause of aberrant splicing (PMID: 17576681, 9536098). Algorithms developed to predict the effect of sequence changes on RNA splicing suggest that this variant may disrupt the consensus splice site. In summary, the available evidence is currently insufficient to determine the role of this variant in disease. Therefore, it has been classified as a Variant of Uncertain Significance.

Literature cited by the submitters: PubMed 17576681; PubMed 9536098.

NM_004998.4(MYO1E):c.1275G>A (p.Gln425=)

Gene: MYO1E (myosin IE; minus strand). Cytogenetic location: 15q22.2.
Variant type: single nucleotide variant.
Coding change: c.1275G>A on transcript NM_004998.4 (MANE Select); coding-DNA position 1275, G replaced by A.
Protein change: p.Gln425=; no amino-acid change (glutamine 425 retained).
Molecular consequence: synonymous variant.
Genome position (GRCh38, 1-based): chr15:59,214,228, C>T on the plus strand (G>A on the coding strand, the complement: MYO1E is on the minus strand). VCF-style: chr15-59214228-C-T. GRCh37 (hg19) VCF-style: chr15-59506427-C-T.
Identifiers: ClinVar variation 4739194 (VCV004739194.1).